The following is an entry in ClinVar:

ClinVar aggregate classification (germline): Likely pathogenic (1 of 4 stars; one submission).

Submission:

GeneDx
Classification: Likely pathogenic. Last evaluated: 2024-10-03. Review status: criteria provided, single submitter. Criteria: GeneDx Variant Classification Process June 2021. Collection method: clinical testing. Allele origin: germline. Affected: yes.
Comment: Not observed in large population cohorts (gnomAD); In silico analysis indicates that this missense variant does not alter protein structure/function; Has not been previously published as pathogenic or benign to our knowledge

NM_031407.7(HUWE1):c.4153C>A (p.Gln1385Lys)

Gene: HUWE1 (HECT, UBA and WWE domain containing E3 ubiquitin protein ligase 1; minus strand). Cytogenetic location: Xp11.22.
Variant type: single nucleotide variant.
Coding change: c.4153C>A on transcript NM_031407.7 (MANE Select); coding-DNA position 4153, C replaced by A.
Protein change: p.Gln1385Lys; replaces glutamine 1385 with lysine.
Molecular consequence: missense variant.
Genome position (GRCh38, 1-based): chrX:53,590,442, G>T on the plus strand (C>A on the coding strand, the complement: HUWE1 is on the minus strand). VCF-style: chrX-53590442-G-T. GRCh37 (hg19) VCF-style: chrX-53617402-G-T.
Other names: short protein forms Q1385K.
Identifiers: ClinVar variation 3776345 (VCV003776345.1).